The following is an entry in ClinVar:

ClinVar aggregate classification (germline): Uncertain significance (1 of 4 stars; one submission).

Conditions:
Hereditary cancer-predisposing syndrome. Also called: Tumor predisposition; Hereditary Cancer Syndrome; Neoplastic Syndromes, Hereditary; Hereditary neoplastic syndrome. Identifiers: Orphanet 140162, MedGen C0027672, MeSH D009386, MONDO:0015356.

Submission:

Color Diagnostics, LLC DBA Color Health
Classification: Uncertain significance for Hereditary cancer-predisposing syndrome. Last evaluated: 2021-03-15. Review status: criteria provided, single submitter. Criteria: ACMG Guidelines, 2015. Collection method: clinical testing. Allele origin: germline.
Comment: This missense variant replaces lysine with asparagine at codon 1615 of the ATM protein. Computational prediction suggests that this variant may not impact protein structure and function (internally defined REVEL score threshold <= 0.5, PMID: 27666373). To our knowledge, functional studies have not been reported for this variant. This variant has not been reported in individuals affected with hereditary cancer in the literature. This variant has not been identified in the general population by the Genome Aggregation Database (gnomAD). The available evidence is insufficient to determine the role of this variant in disease conclusively. Therefore, this variant is classified as a Variant of Uncertain Significance.

NM_000051.4(ATM):c.4845G>C (p.Lys1615Asn)

Gene: ATM (ATM serine/threonine kinase; plus strand). Cytogenetic location: 11q22.3.
Variant type: single nucleotide variant.
Coding change: c.4845G>C on transcript NM_000051.4 (MANE Select); coding-DNA position 4845, G replaced by C.
Protein change: p.Lys1615Asn; replaces lysine 1615 with asparagine.
Molecular consequence: missense variant.
Genome position (GRCh38, 1-based): chr11:108,294,995, G>C. VCF-style: chr11-108294995-G-C. GRCh37 (hg19) VCF-style: chr11-108165722-G-C.
Other names: c.4845G>C, p.Lys1615Asn (NM_001351834.2); short protein forms K1615N.
Identifiers: ClinVar variation 1332117 (VCV001332117.2), dbSNP rs888498126, ClinGen allele CA382536923.